The following is an entry in ClinVar:

ClinVar aggregate classification (germline): Uncertain significance. Review status: criteria provided, multiple submitters, no conflicts (2 of 4 stars). 2 submissions from 2 submitters: Uncertain significance (2). Last evaluated 2025-03-31.

Conditions:
Tumor predisposition syndrome 3 (TPDS3). Also called: Glioma susceptibility 9; LONG TELOMERE SYNDROME, POT1-RELATED; POT1 Tumor Predisposition; Melanoma, cutaneous malignant, susceptibility to, 10. Identifiers: Orphanet 618, MedGen C4014476, MONDO:0014368, OMIM 615848.
Hereditary cancer-predisposing syndrome. Also called: Hereditary Cancer Syndrome; Neoplastic Syndromes, Hereditary; Hereditary neoplastic syndrome; Tumor predisposition. Identifiers: Orphanet 140162, MedGen C0027672, MeSH D009386, MONDO:0015356.

Submissions (2):

Ambry Genetics
Classification: Uncertain significance for Hereditary cancer-predisposing syndrome. Last evaluated: 2025-03-31. Review status: criteria provided, single submitter. Criteria: Ambry Variant Classification Scheme 2023. Collection method: clinical testing. Allele origin: germline.
Comment: The p.H266Q variant (also known as c.798T>A), located in coding exon 6 of the POT1 gene, results from a T to A substitution at nucleotide position 798. The histidine at codon 266 is replaced by glutamine, an amino acid with highly similar properties. This amino acid position is conserved. In addition, this alteration is predicted to be deleterious by in silico analysis. Based on the available evidence, the clinical significance of this variant remains unclear.

Labcorp Genetics (formerly Invitae), Labcorp
Classification: Uncertain significance for Tumor predisposition syndrome 3. Last evaluated: 2019-11-18. Review status: criteria provided, single submitter. Criteria: Invitae Variant Classification Sherloc (09022015). Collection method: clinical testing. Allele origin: germline.
Comment: Algorithms developed to predict the effect of sequence changes on RNA splicing suggest that this variant may create or strengthen a splice site, but this prediction has not been confirmed by published transcriptional studies. In summary, the available evidence is currently insufficient to determine the role of this variant in disease. Therefore, it has been classified as a Variant of Uncertain Significance. Algorithms developed to predict the effect of missense changes on protein structure and function do not agree on the potential impact of this missense change (SIFT: "Deleterious"; PolyPhen-2: "Probably Damaging"; Align-GVGD: "Class C15"). This variant has not been reported in the literature in individuals with POT1-related disease. This variant is not present in population databases (ExAC no frequency). This sequence change replaces histidine with glutamine at codon 266 of the POT1 protein (p.His266Gln). The histidine residue is highly conserved and there is a small physicochemical difference between histidine and glutamine.

NM_015450.3(POT1):c.798T>A (p.His266Gln)

Gene: POT1 (protection of telomeres 1; minus strand). Cytogenetic location: 7q31.33.
Variant type: single nucleotide variant.
Coding change: c.798T>A on transcript NM_015450.3 (MANE Select); coding-DNA position 798, T replaced by A.
Protein change: p.His266Gln; replaces histidine 266 with glutamine.
Molecular consequence: missense variant. On other transcripts: non-coding transcript variant (3).
Genome position (GRCh38, 1-based): chr7:124,853,043, A>T on the plus strand (T>A on the coding strand, the complement: POT1 is on the minus strand). VCF-style: chr7-124853043-A-T. GRCh37 (hg19) VCF-style: chr7-124493097-A-T.
Other names: c.405T>A, p.His135Gln (NM_001042594.2); short protein forms H266Q, H135Q.
Identifiers: ClinVar variation 541875 (VCV000541875.12), dbSNP rs1554424006, ClinGen allele CA369055416.